The following is an entry in ClinVar:

NM_001042492.3(NF1):c.6031C>G (p.Leu2011Val)

Gene: NF1 (neurofibromin 1; plus strand). Cytogenetic location: 17q11.2.
Variant type: single nucleotide variant.
Coding change: c.6031C>G on transcript NM_001042492.3 (MANE Select); coding-DNA position 6031, C replaced by G.
Protein change: p.Leu2011Val; replaces leucine 2011 with valine.
Molecular consequence: missense variant.
Genome position (GRCh38, 1-based): chr17:31,336,357, C>G. VCF-style: chr17-31336357-C-G. GRCh37 (hg19) VCF-style: chr17-29663375-C-G.
Other names: c.5968C>G, p.Leu1990Val (NM_000267.4); short protein forms L1990V, L2011V.
Identifiers: ClinVar variation 561750 (VCV000561750.5), dbSNP rs1567616649, ClinGen allele CA399011046.

ClinVar aggregate classification (germline): Conflicting classifications of pathogenicity. Review status: criteria provided, conflicting classifications (1 of 4 stars). 3 submissions from 3 submitters: Likely pathogenic (1); Uncertain significance (2). Last evaluated 2025-02-20.

Conditions:
Neurofibromatosis-Noonan syndrome (NFNS). Also called: NEUROFIBROMATOSIS WITH NOONAN PHENOTYPE. Identifiers: Orphanet 638, MedGen C2931482, MONDO:0011035, OMIM 601321. Disease mechanism: loss of function.
Café-au-lait macules with pulmonary stenosis (WTSN). Also called: PULMONIC STENOSIS WITH CAFE-AU-LAIT SPOTS. Identifiers: MedGen C0553586, MONDO:0008672, OMIM 193520.
Neurofibromatosis, type 1 (NF1). Also called: VON RECKLINGHAUSEN DISEASE; NEUROFIBROMATOSIS, TYPE I, SOMATIC; Peripheral type neurofibromatosis; Neurofibromatosis, type I. Identifiers: Orphanet 636, MedGen C0027831, MONDO:0018975, OMIM 162200. Disease mechanism: loss of function.
Neurofibromatosis, familial spinal (FSNF). Identifiers: Orphanet 636, MedGen C1834235, MONDO:0008078, OMIM 162210. Disease mechanism: loss of function.
Juvenile myelomonocytic leukemia (JMML). Also called: LEUKEMIA, JUVENILE MYELOMONOCYTIC, SOMATIC. Identifiers: Orphanet 86834, MedGen C0349639, MONDO:0011908, OMIM 607785, HP:0012209.
Hereditary cancer-predisposing syndrome. Also called: Neoplastic Syndromes, Hereditary; Tumor predisposition; Hereditary Cancer Syndrome; Hereditary neoplastic syndrome. Identifiers: Orphanet 140162, MedGen C0027672, MeSH D009386, MONDO:0015356.
Cardiovascular phenotype. Identifiers: MedGen CN230736.

Submissions (3):

GeneDx
Classification: Uncertain significance. Last evaluated: 2025-02-20. Review status: criteria provided, single submitter. Criteria: GeneDx Variant Classification Process June 2021. Collection method: clinical testing. Allele origin: germline. Affected: yes.
Comment: Not observed at significant frequency in large population cohorts (gnomAD); In silico analysis supports that this missense variant has a deleterious effect on protein structure/function; Has not been previously published as pathogenic or benign to our knowledge

Ambry Genetics
Classification: Likely pathogenic for Cardiovascular phenotype; Hereditary cancer-predisposing syndrome. Last evaluated: 2024-12-13. Review status: criteria provided, single submitter. Criteria: Ambry Variant Classification Scheme 2023. Collection method: clinical testing. Allele origin: germline.
Comment: The p.L1990V variant (also known as c.5968C>G), located in coding exon 40 of the NF1 gene, results from a C to G substitution at nucleotide position 5968. The leucine at codon 1990 is replaced by valine, an amino acid with highly similar properties. This variant was identified in one or more individuals with features consistent with neurofibromatosis type 1 and segregated with disease in at least one family (Ambry internal data; external communication). This amino acid position is highly conserved in available vertebrate species. In addition, this alteration is predicted to be deleterious by in silico analysis. This missense alteration is located in a region that has a low rate of benign missense variation (Lek M et al. Nature. 2016 Aug 18;536(7616):285-91; DECIPHER: Database of Chromosomal Imbalance and Phenotype in Humans using Ensembl Resources. Firth H.V. et al. 2009. Am.J.Hum.Genet. 84, 524-533 (DOI)). This variant is considered to be rare based on population cohorts in the Genome Aggregation Database (gnomAD). Based on the majority of available evidence to date, this variant is likely to be pathogenic.

Fulgent Genetics
Classification: Uncertain significance for Neurofibromatosis, type 1; Neurofibromatosis, familial spinal; Café-au-lait macules with pulmonary stenosis; Neurofibromatosis-Noonan syndrome; Juvenile myelomonocytic leukemia. Last evaluated: 2021-10-19. Review status: criteria provided, single submitter. Criteria: ACMG Guidelines, 2015. Collection method: clinical testing. Allele origin: unknown.